The following is an entry in ClinVar:

ClinVar aggregate classification (germline): Uncertain significance (1 of 4 stars; one submission).

Submission:

Labcorp Genetics (formerly Invitae), Labcorp
Classification: Uncertain significance. Last evaluated: 2021-06-28. Review status: criteria provided, single submitter. Criteria: Invitae Variant Classification Sherloc (09022015). Collection method: clinical testing. Allele origin: germline.
Comment: This sequence change replaces methionine with leucine at codon 1605 of the COL4A6 protein (p.Met1605Leu). The methionine residue is highly conserved and there is a small physicochemical difference between methionine and leucine. This variant is not present in population databases (ExAC no frequency). This variant has not been reported in the literature in individuals with COL4A6-related conditions. Algorithms developed to predict the effect of missense changes on protein structure and function are either unavailable or do not agree on the potential impact of this missense change (SIFT: "Deleterious"; PolyPhen-2: "Benign"; Align-GVGD: "Class C0"). In summary, the available evidence is currently insufficient to determine the role of this variant in disease. Therefore, it has been classified as a Variant of Uncertain Significance.

NM_033641.4(COL4A6):c.4810A>C (p.Met1604Leu)

Gene: COL4A6 (collagen type IV alpha 6 chain; minus strand). Cytogenetic location: Xq22.3.
Variant type: single nucleotide variant.
Coding change: c.4810A>C on transcript NM_033641.4 (MANE Select); coding-DNA position 4810, A replaced by C.
Protein change: p.Met1604Leu; replaces methionine 1604 with leucine.
Molecular consequence: missense variant.
Genome position (GRCh38, 1-based): chrX:108,159,464, T>G on the plus strand (A>C on the coding strand, the complement: COL4A6 is on the minus strand). VCF-style: chrX-108159464-T-G. GRCh37 (hg19) VCF-style: chrX-107402694-T-G.
Other names: c.4861A>C, p.Met1621Leu (NM_001287758.2); c.4738A>C, p.Met1580Leu (NM_001287759.2); c.4639A>C, p.Met1547Leu (NM_001287760.2); c.4813A>C, p.Met1605Leu (NM_001847.4); short protein forms M1547L, M1605L, M1580L, M1604L, M1621L.
Identifiers: ClinVar variation 1361072 (VCV001361072.8), dbSNP rs2148048759, ClinGen allele CA413849290.
Genomic context (GRCh38, chrX:108,159,464, plus strand): 5'-AACCAGTCCAAGGGGCCCTTTGCCTCCAACTGGGGGAGGAGACAGTGCAGGACCTTACCA[T>G]GAGGAAAGAGTACCCAATCCAGAGGCTGCGCCAGCCCAGGGGGCACTGCGGGATGGTGAT-3'
Protein context (NP_378667.1, residues 1594-1614): RSLWIGYSFL[Met1604Leu]HTAAGAEGGG